The following is an entry in ClinVar:

ClinVar aggregate classification (germline): Uncertain significance (1 of 4 stars; one submission).

Conditions:
Inborn genetic diseases. Identifiers: MedGen C0950123, MeSH D030342.

Allele frequency attached by ClinVar (database versions not stated): ESP Exome Variant Server 0.00008.

Submission:

Ambry Genetics
Classification: Uncertain significance for Inborn genetic diseases. Last evaluated: 2024-06-12. Review status: criteria provided, single submitter. Criteria: Ambry Variant Classification Scheme 2023. Collection method: clinical testing. Allele origin: germline.
Comment: The p.A69P variant (also known as c.205G>C), located in coding exon 2 of the RAD51 gene, results from a G to C substitution at nucleotide position 205. The alanine at codon 69 is replaced by proline, an amino acid with highly similar properties. This amino acid position is conserved. In addition, the in silico prediction for this alteration is inconclusive. Since supporting evidence is limited at this time, the clinical significance of this alteration remains unclear.

NM_002875.5(RAD51):c.205G>C (p.Ala69Pro)

Gene: RAD51 (RAD51 recombinase; plus strand). Cytogenetic location: 15q15.1.
Variant type: single nucleotide variant.
Coding change: c.205G>C on transcript NM_002875.5 (MANE Select); coding-DNA position 205, G replaced by C.
Protein change: p.Ala69Pro; replaces alanine 69 with proline.
Molecular consequence: missense variant.
Genome position (GRCh38, 1-based): chr15:40,701,181, G>C. VCF-style: chr15-40701181-G-C. GRCh37 (hg19) VCF-style: chr15-40993379-G-C.
Other names: c.205G>C, p.Ala69Pro (NM_001164269.2, NM_001164270.2, NM_133487.4); short protein forms A69P.
Identifiers: ClinVar variation 1785206 (VCV001785206.3), dbSNP rs143055953, ClinGen allele CA268838944.